The following is an entry in ClinVar:

ClinVar aggregate classification (germline): Conflicting classifications of pathogenicity. Review status: criteria provided, conflicting classifications (1 of 4 stars). 4 submissions from 4 submitters: Uncertain significance (3); Likely benign (1). Last evaluated 2024-06-18.

Conditions:
Kleefstra syndrome 1 (KLEFS1). Identifiers: Orphanet 261494, MedGen C0795833, MONDO:0027407, OMIM 610253.

Allele frequency attached by ClinVar (database versions not stated): TOPMed 0.00002; gnomAD 0.00003.
gnomAD v4.1: 13 of 1,548,500 alleles (0.00084%); highest among the groups gnomAD compares: African/African-American, 0.0014%; no homozygotes.

Submissions (4):

Labcorp Genetics (formerly Invitae), Labcorp
Classification: Uncertain significance for Kleefstra syndrome 1. Last evaluated: 2024-06-18. Review status: criteria provided, single submitter. Criteria: Invitae Variant Classification Sherloc (09022015). Collection method: clinical testing. Allele origin: germline.
Comment: This sequence change falls in intron 2 of the EHMT1 gene. It does not directly change the encoded amino acid sequence of the EHMT1 protein. This variant is not present in population databases (gnomAD no frequency). This variant has not been reported in the literature in individuals affected with EHMT1-related conditions. ClinVar contains an entry for this variant (Variation ID: 196525). Algorithms developed to predict the effect of sequence changes on RNA splicing suggest that this variant may create or strengthen a splice site. In summary, the available evidence is currently insufficient to determine the role of this variant in disease. Therefore, it has been classified as a Variant of Uncertain Significance.

Mayo Clinic Laboratories, Mayo Clinic
Classification: Uncertain significance. Last evaluated: 2023-03-30. Review status: criteria provided, single submitter. Criteria: ACMG Guidelines, 2015. Collection method: clinical testing. Allele origin: germline. Observed: 1 variant allele.
Comment: BP5, PP3

GeneDx
Classification: Likely benign. Last evaluated: 2018-11-19. Review status: criteria provided, single submitter. Criteria: GeneDx Variant Classification Process June 2021. Collection method: clinical testing. Allele origin: germline. Affected: yes.

Eurofins Ntd Llc (ga)
Classification: Uncertain significance. Last evaluated: 2014-07-15. Review status: criteria provided, single submitter. Criteria: EGL Classification Definitions 2015. Collection method: clinical testing. Allele origin: germline. Observed: 1 variant allele, 1 heterozygote.

NM_024757.5(EHMT1):c.86-5G>A

Gene: EHMT1 (euchromatic histone lysine methyltransferase 1; plus strand). Cytogenetic location: 9q34.3.
Variant type: single nucleotide variant.
Coding change: c.86-5G>A on transcript NM_024757.5 (MANE Select); 5 bases into the intron before coding-DNA position 86, G replaced by A.
Molecular consequence: intron variant.
Genome position (GRCh38, 1-based): chr9:137,716,621, G>A. VCF-style: chr9-137716621-G-A. GRCh37 (hg19) VCF-style: chr9-140611073-G-A.
Other names: c.86-5G>A (NM_001354263.2, NM_001145527.2, NM_001354611.2); c.-8-5G>A (NM_001354259.2, NM_001354612.2).
Identifiers: ClinVar variation 196525 (VCV000196525.17), dbSNP rs371370370, ClinGen allele CA243505.